The following is an entry in ClinVar:

ClinVar aggregate classification (germline): Uncertain significance (1 of 4 stars; one submission).

Conditions:
Arginine:glycine amidinotransferase deficiency (CCDS3). Also called: Creatine deficiency syndrome due to AGAT deficiency; GATM deficiency; Cerebral creatine deficiency syndrome 3; AGAT deficiency; L-Arginine:Glycine Amidinotransferase (AGAT) Deficiency; L-Arginine:Glycine Amidinotransferase Deficiency. Identifiers: Orphanet 35704, MedGen C2675179, MONDO:0012996, OMIM 612718.

gnomAD v4.1: 1 of 1,614,196 alleles (0.000062%); highest among the groups gnomAD compares: South Asian, 0.0011%; no homozygotes.

Submission:

Labcorp Genetics (formerly Invitae), Labcorp
Classification: Uncertain significance for Arginine:glycine amidinotransferase deficiency. Last evaluated: 2022-02-04. Review status: criteria provided, single submitter. Criteria: Invitae Variant Classification Sherloc (09022015). Collection method: clinical testing. Allele origin: germline.
Comment: In summary, the available evidence is currently insufficient to determine the role of this variant in disease. Therefore, it has been classified as a Variant of Uncertain Significance. Algorithms developed to predict the effect of missense changes on protein structure and function (SIFT, PolyPhen-2, Align-GVGD) all suggest that this variant is likely to be tolerated. This sequence change replaces proline, which is neutral and non-polar, with serine, which is neutral and polar, at codon 59 of the GATM protein (p.Pro59Ser). This variant is not present in population databases (gnomAD no frequency). This variant has not been reported in the literature in individuals affected with GATM-related conditions.

NM_001482.3(GATM):c.175C>T (p.Pro59Ser)

Gene: GATM (glycine amidinotransferase; minus strand). Cytogenetic location: 15q21.1.
Variant type: single nucleotide variant.
Coding change: c.175C>T on transcript NM_001482.3 (MANE Select); coding-DNA position 175, C replaced by T.
Protein change: p.Pro59Ser; replaces proline 59 with serine.
Molecular consequence: missense variant. On other transcripts: 5 prime UTR variant (1).
Genome position (GRCh38, 1-based): chr15:45,376,714, G>A on the plus strand (C>T on the coding strand, the complement: GATM is on the minus strand). VCF-style: chr15-45376714-G-A. GRCh37 (hg19) VCF-style: chr15-45668912-G-A.
Other names: c.-213C>T (NM_001321015.2); short protein forms P59S.
Identifiers: ClinVar variation 1990034 (VCV001990034.4), dbSNP rs1889642821, ClinGen allele CA392265416.